The following is an entry in ClinVar:

ClinVar aggregate classification (germline): Uncertain significance (1 of 4 stars; one submission).

Allele frequency attached by ClinVar (database versions not stated): gnomAD exomes below 0.00001; gnomAD 0.00001.
gnomAD v4.1: 5 of 1,575,530 alleles (0.00032%); highest among the groups gnomAD compares: Non-Finnish European, 0.00035%; no homozygotes.

Submission:

Labcorp Genetics (formerly Invitae), Labcorp
Classification: Uncertain significance. Last evaluated: 2022-02-05. Review status: criteria provided, single submitter. Criteria: Invitae Variant Classification Sherloc (09022015). Collection method: clinical testing. Allele origin: germline.
Comment: This variant has not been reported in the literature in individuals affected with TAOK2-related conditions. In summary, the available evidence is currently insufficient to determine the role of this variant in disease. Therefore, it has been classified as a Variant of Uncertain Significance. Algorithms developed to predict the effect of missense changes on protein structure and function (SIFT, PolyPhen-2, Align-GVGD) all suggest that this variant is likely to be tolerated. This variant is present in population databases (no rsID available, gnomAD 0.007%). This sequence change replaces aspartic acid, which is acidic and polar, with asparagine, which is neutral and polar, at codon 203 of the TAOK2 protein (p.Asp203Asn).

NM_016151.4(TAOK2):c.607G>A (p.Asp203Asn)

Gene: TAOK2 (TAO kinase 2; plus strand). Cytogenetic location: 16p11.2.
Variant type: single nucleotide variant.
Coding change: c.607G>A on transcript NM_016151.4 (MANE Select); coding-DNA position 607, G replaced by A.
Protein change: p.Asp203Asn; replaces aspartic acid 203 with asparagine.
Molecular consequence: missense variant.
Genome position (GRCh38, 1-based): chr16:29,979,460, G>A. VCF-style: chr16-29979460-G-A. GRCh37 (hg19) VCF-style: chr16-29990781-G-A.
Other names: c.607G>A, p.Asp203Asn (NM_001252043.2, NM_004783.4); short protein forms D203N.
Identifiers: ClinVar variation 1518698 (VCV001518698.8), dbSNP rs1377682145, ClinGen allele CA395472446.